The following is an entry in ClinVar:

NM_001369.3(DNAH5):c.13202A>G (p.Gln4401Arg)

Gene: DNAH5 (dynein axonemal heavy chain 5; minus strand). Cytogenetic location: 5p15.2.
Variant type: single nucleotide variant.
Coding change: c.13202A>G on transcript NM_001369.3 (MANE Select); coding-DNA position 13202, A replaced by G.
Protein change: p.Gln4401Arg; replaces glutamine 4401 with arginine.
Molecular consequence: missense variant.
Genome position (GRCh38, 1-based): chr5:13,708,259, T>C on the plus strand (A>G on the coding strand, the complement: DNAH5 is on the minus strand). VCF-style: chr5-13708259-T-C. GRCh37 (hg19) VCF-style: chr5-13708368-T-C.
Other names: short protein forms Q4401R.
Identifiers: ClinVar variation 4242574 (VCV004242574.1).

ClinVar aggregate classification (germline): Uncertain significance (1 of 4 stars; one submission).

Conditions:
Primary ciliary dyskinesia. Also called: Ciliary dyskinesia. Identifiers: Orphanet 244, MedGen C0008780, MONDO:0016575, HP:0012265.

gnomAD v4.1: 1 of 1,614,180 alleles (0.000062%); no homozygotes.

Submission:

Ambry Genetics
Classification: Uncertain significance for Primary ciliary dyskinesia. Last evaluated: 2025-07-29. Review status: criteria provided, single submitter. Criteria: Ambry Variant Classification Scheme 2023. Collection method: clinical testing. Allele origin: germline.
Comment: The p.Q4401R variant (also known as c.13202A>G), located in coding exon 76 of the DNAH5 gene, results from an A to G substitution at nucleotide position 13202. The glutamine at codon 4401 is replaced by arginine, an amino acid with highly similar properties. This amino acid position is highly conserved in available vertebrate species. In addition, this alteration is predicted to be tolerated by in silico analysis. Based on the available evidence, the clinical significance of this variant remains unclear.